The following is an entry in ClinVar:

NM_024408.4(NOTCH2):c.6650_6651del (p.Val2217fs)

Gene: NOTCH2 (notch receptor 2; minus strand). Cytogenetic location: 1p12.
Variant type: Microsatellite.
Coding change: c.6650_6651del on transcript NM_024408.4 (MANE Select); coding-DNA positions 6650 to 6651, 2 bases deleted (TG; older notation c.6650_6651delTG).
Protein change: p.Val2217fs; shifts the reading frame from valine 2217.
Molecular consequence: frameshift variant.
Genome position (GRCh38, 1-based): chr1:119,916,071-119,916,072, CA deleted on the plus strand (TG on the coding strand, the reverse complement: NOTCH2 is on the minus strand); deleting any 2 consecutive bases within chr1:119,916,071-119,916,074 gives the same sequence; the c. name uses the placement nearest the transcript's 3' end. VCF-style (leftmost placement, unchanged base first): chr1-119916070-GCA-G. GRCh37 (hg19) VCF-style: chr1-120458693-GCA-G.
Other names: short protein forms V2217fs.
Identifiers: ClinVar variation 4813811 (VCV004813811.1).
Genomic context (GRCh38, chr1:119,916,070, plus strand): 5'-CACTGCCACTGCCTGGAGACACAATGTGGTGGTGGGATAGCAACTGGCTCACTGAGGGAA[GCA>G]CAGTGCTGGCCCCATGTGCCAAAGGCTGCATTTCATGAAGGTTAGAAAAAGATAGTGCAT-3'

ClinVar aggregate classification (germline): Likely pathogenic (1 of 4 stars; one submission).

Conditions:
Hajdu-Cheney syndrome (HJCYS). Also called: ACROOSTEOLYSIS WITH OSTEOPOROSIS AND CHANGES IN SKULL AND MANDIBLE; SERPENTINE FIBULA-POLYCYSTIC KIDNEY SYNDROME; Acroosteolysis dominant type. Identifiers: Orphanet 955, MedGen C0917715, MONDO:0007057, OMIM 102500.

Submission:

Variantyx, Inc.
Classification: Likely pathogenic for Hajdu-Cheney syndrome. Last evaluated: 2025-12-18. Review status: criteria provided, single submitter. Criteria: Variantyx Assertion Criteria 2022. Collection method: clinical testing. Allele origin: germline. Inheritance: Autosomal dominant inheritance. Affected: yes.
Comment: This is a frameshift variant in the NOTCH2 gene (OMIM: 600275). Pathogenic variants in this gene have been associated with autosomal dominant Hajdu-Cheney syndrome. This variant introduces a premature termination codon in exon 34 out of 34. It lies within a known hotspot for pathogenic variants or a well-established critical functional domain of the NOTCH2 protein (PMID:23401378) (PM1_Strong). Nonsense and frameshift variants in the last exon are predicted to result in a truncated NOTCH2 protein with gain of function effects (PMID: 23389697) (PM4). This variant is absent from control populations (PM2) and it has not been reported in individuals with NOTCH2-related disorders in the databases available for review. Based on the current evidence, this variant is classified as likely pathogenic for autosomal dominant Hajdu-Cheney syndrome.

Literature cited by the submitters: PubMed 23389697.